The following is an entry in ClinVar:

NM_152424.4(AMER1):c.2680C>T (p.Arg894Cys)

Gene: AMER1 (APC membrane recruitment protein 1; minus strand). Cytogenetic location: Xq11.2.
Variant type: single nucleotide variant.
Coding change: c.2680C>T on transcript NM_152424.4 (MANE Select); coding-DNA position 2680, C replaced by T.
Protein change: p.Arg894Cys; replaces arginine 894 with cysteine.
Molecular consequence: missense variant.
Genome position (GRCh38, 1-based): chrX:64,190,607, G>A on the plus strand (C>T on the coding strand, the complement: AMER1 is on the minus strand). VCF-style: chrX-64190607-G-A. GRCh37 (hg19) VCF-style: chrX-63410487-G-A.
Other names: short protein forms R894C.
Identifiers: ClinVar variation 2988394 (VCV002988394.3), dbSNP rs748618414, ClinGen allele CA10432166.

ClinVar aggregate classification (germline): Uncertain significance (1 of 4 stars; one submission).

Allele frequency attached by ClinVar (database versions not stated): gnomAD 0.00001; ExAC 0.00002; TOPMed below 0.00001; gnomAD exomes 0.00002.
gnomAD v4.1: 21 of 1,210,457 alleles (0.0017%); highest among the groups gnomAD compares: Non-Finnish European, 0.0022%; no homozygotes.

Submission:

Labcorp Genetics (formerly Invitae), Labcorp
Classification: Uncertain significance. Last evaluated: 2026-01-12. Review status: criteria provided, single submitter. Criteria: Invitae Variant Classification Sherloc (09022015). Collection method: clinical testing. Allele origin: germline.
Comment: This sequence change replaces arginine, which is basic and polar, with cysteine, which is neutral and slightly polar, at codon 894 of the AMER1 protein (p.Arg894Cys). This variant is present in population databases (rs748618414, gnomAD 0.008%). This variant has not been reported in the literature in individuals affected with AMER1-related conditions. ClinVar contains an entry for this variant (Variation ID: 2988394). An algorithm developed to predict the effect of missense changes on protein structure and function (PolyPhen-2) suggests that this variant is likely to be disruptive. In summary, the available evidence is currently insufficient to determine the role of this variant in disease. Therefore, it has been classified as a Variant of Uncertain Significance.